The following is an entry in ClinVar:

ClinVar aggregate classification (germline): Likely benign (1 of 4 stars; one submission).

Conditions:
Familial cancer of breast. Also called: Hereditary breast cancer; hereditary breast carcinoma; BREAST CANCER, FAMILIAL. Identifiers: Orphanet 227535, MedGen C0346153, MONDO:0016419, OMIM 114480. Disease mechanism: loss of function.

Submission:

Myriad Genetics, Inc.
Classification: Likely benign for Familial cancer of breast. Last evaluated: 2025-01-09. Review status: criteria provided, single submitter. Criteria: Myriad Autosomal Dominant, Autosomal Recessive and X-Linked Classification Criteria (2023). Collection method: clinical testing. Allele origin: unknown.
Comment: This variant is considered likely benign. This variant is intronic and is not expected to impact mRNA splicing.

NM_024675.4(PALB2):c.49-7C>T

Gene: PALB2 (partner and localizer of BRCA2; minus strand). Cytogenetic location: 16p12.2.
Variant type: single nucleotide variant.
Coding change: c.49-7C>T on transcript NM_024675.4 (MANE Select); 7 bases into the intron before coding-DNA position 49, C replaced by T.
Molecular consequence: intron variant.
Genome position (GRCh38, 1-based): chr16:23,638,136, G>A on the plus strand (C>T on the coding strand, the complement: PALB2 is on the minus strand). VCF-style: chr16-23638136-G-A. GRCh37 (hg19) VCF-style: chr16-23649457-G-A.
Other names: c.-837-7C>T (NM_001407308.1, NM_001407306.1, NM_001407307.1 and 5 more transcripts); c.48+2974C>T (NM_001407314.1); c.-105+2974C>T (NM_001407313.1, NM_001407312.1); c.49-184C>T (NM_001407296.1); c.49-7C>T (NM_001407297.1, NM_001407302.1, NM_001407298.1 and 3 more transcripts).
Identifiers: ClinVar variation 3903787 (VCV003903787.1).